The following is an entry in ClinVar:

ClinVar aggregate classification (germline): Uncertain significance. Review status: criteria provided, multiple submitters, no conflicts (2 of 4 stars). 2 submissions from 2 submitters: Uncertain significance (2). Last evaluated 2025-03-24.

Conditions:
BAZ2B-related disorder. Also called: BAZ2B-related condition.
Inborn genetic diseases. Identifiers: MedGen C0950123, MeSH D030342.

gnomAD v4.1: 28 of 1,613,250 alleles (0.0017%); highest among the groups gnomAD compares: Non-Finnish European, 0.0023%; no homozygotes.

Submissions (2):

PreventionGenetics, part of Exact Sciences
Classification: Uncertain significance for BAZ2B-related condition. Last evaluated: 2025-03-24. Review status: criteria provided, single submitter. Criteria: ACMG Guidelines, 2015. Collection method: clinical testing. Allele origin: germline.
Comment: The BAZ2B c.4222T>C variant is predicted to result in the amino acid substitution p.Cys1408Arg. To our knowledge, this variant has not been reported in the literature. This variant is reported in 0.0027% of alleles in individuals of European (Non-Finnish) descent in gnomAD. At this time, the clinical significance of this variant is uncertain due to the absence of conclusive functional and genetic evidence.

Ambry Genetics
Classification: Uncertain significance for Inborn genetic diseases. Last evaluated: 2024-12-02. Review status: criteria provided, single submitter. Criteria: Ambry Variant Classification Scheme 2023. Collection method: clinical testing. Allele origin: germline.

NM_013450.4(BAZ2B):c.4330T>C (p.Cys1444Arg)

Genes: BAZ2B (bromodomain adjacent to zinc finger domain 2B; minus strand), LOC126806390 (CDK7 strongly-dependent group 2 enhancer GRCh37_chr2:160205700-160206899; plus strand). Cytogenetic location: 2q24.2.
Variant type: single nucleotide variant.
Coding change: c.4330T>C on transcript NM_013450.4 (MANE Select); coding-DNA position 4330, T replaced by C.
Protein change: p.Cys1444Arg; replaces cysteine 1444 with arginine.
Molecular consequence: missense variant.
Genome position (GRCh38, 1-based): chr2:159,350,241, A>G on the plus strand (T>C on the coding strand, the complement: BAZ2B is on the minus strand). VCF-style: chr2-159350241-A-G. GRCh37 (hg19) VCF-style: chr2-160206752-A-G.
Other names: c.4222T>C, p.Cys1408Arg (NM_001289975.1); c.4168T>C, p.Cys1390Arg (NM_001329857.2); c.4255T>C, p.Cys1419Arg (NM_001329858.2); short protein forms C1419R, C1444R, C1390R, C1408R.
Identifiers: ClinVar variation 3479887 (VCV003479887.2).